The following is an entry in ClinVar:

NM_025243.4(SLC19A3):c.325G>A (p.Val109Ile)

Gene: SLC19A3 (solute carrier family 19 member 3; minus strand). Cytogenetic location: 2q36.3.
Variant type: single nucleotide variant.
Coding change: c.325G>A on transcript NM_025243.4 (MANE Select); coding-DNA position 325, G replaced by A.
Protein change: p.Val109Ile; replaces valine 109 with isoleucine.
Molecular consequence: missense variant.
Genome position (GRCh38, 1-based): chr2:227,699,390, C>T on the plus strand (G>A on the coding strand, the complement: SLC19A3 is on the minus strand). VCF-style: chr2-227699390-C-T. GRCh37 (hg19) VCF-style: chr2-228564106-C-T.
Other names: p.Val109Ile; short protein forms V109I.
Identifiers: ClinVar variation 285907 (VCV000285907.45), dbSNP rs780569649, ClinGen allele CA2149332.
Genomic context (GRCh38, chr2:227,699,390, plus strand): 5'-TGTATATGTAGGCGTAGTAGGCCACCTCGGCGGCGGTGACCATCCCATAGAAGAACTCTA[C>T]AACCTGCATGGTCTTCACTCCTTGGCCAAACAACAGCAGCAGCCAGGTAATGATGAAACT-3'
Protein context (NP_079519.1, residues 99-119): FGQGVKTMQV[Val109Ile]EFFYGMVTAA

ClinVar aggregate classification (germline): Conflicting classifications of pathogenicity. Review status: criteria provided, conflicting classifications (1 of 4 stars). 9 submissions from 9 submitters: Uncertain significance (7); Likely benign (2). Last evaluated 2026-01-21.

Conditions:
Inborn genetic diseases. Identifiers: MedGen C0950123, MeSH D030342.
Biotin-responsive basal ganglia disease (BTBGD). Also called: Thiamine metabolism dysfunction syndrome type 2; Thiamine Transporter-2 Deficiency; Thiamine metabolism dysfunction syndrome 2 (biotin- or thiamine-responsive encephalopathy type 2); thiamine-responsive encephalopathy; THIAMINE METABOLISM DYSFUNCTION SYNDROME 2 (BIOTIN- AND THIAMINE-RESPONSIVE TYPE). Identifiers: Orphanet 199348, Orphanet 65284, MedGen C1843807, MONDO:0011841, OMIM 607483.

Allele frequency attached by ClinVar (database versions not stated): gnomAD exomes 0.00008 and 0.00010; gnomAD 0.00009; TOPMed 0.00009; ExAC 0.00012.
gnomAD v4.1: 131 of 1,614,178 alleles (0.0081%); highest among the groups gnomAD compares: Middle Eastern, 0.33%; no homozygotes.

Submissions (9):

Labcorp Genetics (formerly Invitae), Labcorp
Classification: Likely benign for Biotin-responsive basal ganglia disease. Last evaluated: 2026-01-21. Review status: criteria provided, single submitter. Criteria: Invitae Variant Classification Sherloc (09022015). Collection method: clinical testing. Allele origin: germline.

Ambry Genetics
Classification: Uncertain significance for Inborn genetic diseases. Last evaluated: 2025-04-25. Review status: criteria provided, single submitter. Criteria: Ambry Variant Classification Scheme 2023. Collection method: clinical testing. Allele origin: germline.

CeGaT Center for Human Genetics Tuebingen
Classification: Uncertain significance. Last evaluated: 2025-03-01. Review status: criteria provided, single submitter. Criteria: CeGaT Center For Human Genetics Tuebingen Variant Classification Criteria Version 2. Collection method: clinical testing. Allele origin: germline. Affected: yes. Observed: 3 variant alleles.
Comment: SLC19A3: PM2, BP4

Athena Diagnostics
Classification: Uncertain significance. Last evaluated: 2024-12-31. Review status: criteria provided, single submitter. Criteria: Athena Diagnostics Criteria. Collection method: clinical testing. Allele origin: unknown.
Comment: Available data are insufficient to determine the clinical significance of the variant at this time. The frequency of this variant in the general population is uninformative in assessment of its pathogenicity. Polyphen and MutationTaster predict this amino acid change may be benign.

Blueprint Genetics
Classification: Uncertain significance. Last evaluated: 2024-11-01. Review status: criteria provided, single submitter. Criteria: ACMG Guidelines, 2015. Collection method: clinical testing. Allele origin: germline.

Mayo Clinic Laboratories, Mayo Clinic
Classification: Uncertain significance. Last evaluated: 2024-04-08. Review status: criteria provided, single submitter. Criteria: ACMG Guidelines, 2015. Collection method: clinical testing. Allele origin: germline. Observed: 1 variant allele.
Comment: BP4

Baylor Genetics
Classification: Uncertain significance for Biotin-responsive basal ganglia disease. Last evaluated: 2021-12-22. Review status: criteria provided, single submitter. Criteria: ACMG Guidelines, 2015. Collection method: clinical testing. Allele origin: unknown.

GeneDx
Classification: Likely benign. Last evaluated: 2020-06-10. Review status: criteria provided, single submitter. Criteria: GeneDx Variant Classification Process June 2021. Collection method: clinical testing. Allele origin: germline. Affected: yes.

Eurofins Ntd Llc (ga)
Classification: Uncertain significance. Last evaluated: 2016-01-28. Review status: criteria provided, single submitter. Criteria: EGL Classification Definitions 2015. Collection method: clinical testing. Allele origin: germline. Observed: 1 variant allele, 1 heterozygote.

Literature cited by the submitters: PubMed 28402605 (cited by Athena Diagnostics).